The following is an entry in ClinVar:

ClinVar aggregate classification (germline): Uncertain significance (1 of 4 stars; one submission).

Allele frequency attached by ClinVar (database versions not stated): TOPMed below 0.00001; ExAC 0.00001; gnomAD exomes 0.00001.
gnomAD v4.1: 7 of 1,614,006 alleles (0.00043%); highest among the groups gnomAD compares: Non-Finnish European, 0.00059%; no homozygotes.

Submission:

Women's Health and Genetics/Laboratory Corporation of America, LabCorp
Classification: Uncertain significance. Last evaluated: 2023-11-10. Review status: criteria provided, single submitter. Criteria: LabCorp Variant Classification Summary - May 2015. Collection method: clinical testing. Allele origin: germline.
Comment: Variant summary: SLC25A13 c.1465T>C (p.Cys489Arg) results in a non-conservative amino acid change in the encoded protein sequence. Five of five in-silico tools predict a damaging effect of the variant on protein function. The variant allele was found at a frequency of 4e-06 in 250956 control chromosomes (gnomAD). The available data on variant occurrences in the general population are insufficient to allow any conclusion about variant significance. c.1465T>C has been reported in the literature in at least one individual affected with Citrullinemia Type II (e.g., Tabata_2008, Hutchin_2009, Pinto_2020). These data do not allow any conclusion about variant significance. To our knowledge, no experimental evidence demonstrating an impact on protein function has been reported. The following publications have been ascertained in the context of this evaluation (PMID: 19517266, 33137944, 18392553). No submitters have reported clinical-significance assessments for this variant to ClinVar after 2014. Based on the evidence outlined above, the variant was classified as uncertain significance.

Literature cited by the submitters: PubMed 18392553; PubMed 19517266; PubMed 33137944.

NM_014251.3(SLC25A13):c.1465T>C (p.Cys489Arg)

Gene: SLC25A13 (solute carrier family 25 member 13; minus strand). Cytogenetic location: 7q21.3.
Variant type: single nucleotide variant.
Coding change: c.1465T>C on transcript NM_014251.3 (MANE Select); coding-DNA position 1465, T replaced by C.
Protein change: p.Cys489Arg; replaces cysteine 489 with arginine.
Molecular consequence: missense variant. On other transcripts: non-coding transcript variant (1).
Genome position (GRCh38, 1-based): chr7:96,131,869, A>G on the plus strand (T>C on the coding strand, the complement: SLC25A13 is on the minus strand). VCF-style: chr7-96131869-A-G. GRCh37 (hg19) VCF-style: chr7-95761181-A-G.
Other names: c.1468T>C, p.Cys490Arg (NM_001160210.2); short protein forms C489R, C490R.
Identifiers: ClinVar variation 2682459 (VCV002682459.1), dbSNP rs766485284, ClinGen allele CA4352899.